The following is an entry in ClinVar:

ClinVar aggregate classification (germline): Uncertain significance (1 of 4 stars; one submission).

Conditions:
Inborn genetic diseases. Identifiers: MedGen C0950123, MeSH D030342.

gnomAD v4.1: 1 of 1,613,918 alleles (0.000062%); highest among the groups gnomAD compares: Non-Finnish European, 0.000085%; no homozygotes.

Submission:

Ambry Genetics
Classification: Uncertain significance for Inborn genetic diseases. Last evaluated: 2022-04-11. Review status: criteria provided, single submitter. Criteria: Ambry Variant Classification Scheme 2023. Collection method: clinical testing. Allele origin: germline.
Comment: The p.I1569T variant (also known as c.4706T>C), located in coding exon 27 of the ATR gene, results from a T to C substitution at nucleotide position 4706. The isoleucine at codon 1569 is replaced by threonine, an amino acid with similar properties. This amino acid position is conserved. In addition, this alteration is predicted to be tolerated by in silico analysis. Since supporting evidence is limited at this time, the clinical significance of this alteration remains unclear.

NM_001184.4(ATR):c.4706T>C (p.Ile1569Thr)

Gene: ATR (ATR checkpoint kinase; minus strand). Cytogenetic location: 3q23.
Variant type: single nucleotide variant.
Coding change: c.4706T>C on transcript NM_001184.4 (MANE Select); coding-DNA position 4706, T replaced by C.
Protein change: p.Ile1569Thr; replaces isoleucine 1569 with threonine.
Molecular consequence: missense variant.
Genome position (GRCh38, 1-based): chr3:142,512,406, A>G on the plus strand (T>C on the coding strand, the complement: ATR is on the minus strand). VCF-style: chr3-142512406-A-G. GRCh37 (hg19) VCF-style: chr3-142231248-A-G.
Other names: c.4514T>C, p.Ile1505Thr (NM_001354579.2); short protein forms I1569T, I1505T.
Identifiers: ClinVar variation 1742571 (VCV001742571.2), dbSNP rs2108372168, ClinGen allele CA354795603.